The following is an entry in ClinVar:

ClinVar aggregate classification (germline): Conflicting classifications of pathogenicity. Review status: criteria provided, conflicting classifications (1 of 4 stars). 5 submissions from 4 submitters: Uncertain significance (4); Benign (1). Last evaluated 2025-07-09.

Conditions:
Inborn genetic diseases. Identifiers: MedGen C0950123, MeSH D030342.
Retinitis pigmentosa (RP). Identifiers: Orphanet 791, MedGen C0035334, MeSH D012174, MONDO:0019200, OMIM 268000. Inheritance: Autosomal dominant, autosomal recessive and X linked inheritance.
Congenital stationary night blindness autosomal dominant 2. Also called: NIGHT BLINDNESS, CONGENITAL STATIONARY, RAMBUSCH TYPE. Identifiers: Orphanet 215, MedGen C1876182, MONDO:0008099, OMIM 163500.

Allele frequency attached by ClinVar (database versions not stated): gnomAD 0.00002; TOPMed 0.00002.
gnomAD v4.1: 25 of 1,613,030 alleles (0.0015%); highest among the groups gnomAD compares: South Asian, 0.016%; no homozygotes.

Submissions (5):

Labcorp Genetics (formerly Invitae), Labcorp
Classification: Uncertain significance. Last evaluated: 2025-07-09. Review status: criteria provided, single submitter. Criteria: Invitae Variant Classification Sherloc (09022015). Collection method: clinical testing. Allele origin: germline.
Comment: This sequence change replaces aspartic acid, which is acidic and polar, with asparagine, which is neutral and polar, at codon 433 of the PDE6B protein (p.Asp433Asn). This variant is present in population databases (rs539768252, gnomAD 0.03%). This variant has not been reported in the literature in individuals affected with PDE6B-related conditions. ClinVar contains an entry for this variant (Variation ID: 349375). Invitae Evidence Modeling of protein sequence and biophysical properties (such as structural, functional, and spatial information, amino acid conservation, physicochemical variation, residue mobility, and thermodynamic stability) has been performed for this missense variant. However, the output from this modeling did not meet the statistical confidence thresholds required to predict the impact of this variant on PDE6B protein function. In summary, the available evidence is currently insufficient to determine the role of this variant in disease. Therefore, it has been classified as a Variant of Uncertain Significance.

Ambry Genetics
Classification: Uncertain significance for Inborn genetic diseases. Last evaluated: 2023-04-05. Review status: criteria provided, single submitter. Criteria: Ambry Variant Classification Scheme 2023. Collection method: clinical testing. Allele origin: germline.

Blueprint Genetics
Classification: Uncertain significance. Last evaluated: 2022-01-24. Review status: criteria provided, single submitter. Criteria: ACMG Guidelines, 2015. Collection method: clinical testing. Allele origin: germline.

Illumina Laboratory Services, Illumina
Classification: Benign for Congenital stationary night blindness autosomal dominant 2. Last evaluated: 2018-01-13. Review status: criteria provided, single submitter. Criteria: ICSL Variant Classification Criteria 13 December 2019. Collection method: clinical testing. Allele origin: germline.
Comment: This variant was observed in the ICSL laboratory as part of a predisposition screen in an ostensibly healthy population. It had not been previously curated by ICSL or reported in the Human Gene Mutation Database (HGMD: prior to June 1st, 2018), and was therefore a candidate for classification through an automated scoring system. Utilizing variant allele frequency, disease prevalence and penetrance estimates, and inheritance mode, an automated score was calculated to assess if this variant is too frequent to cause the disease. Based on the score and internal cut-off values, a variant classified as benign is not then subjected to further curation. The score for this variant resulted in a classification of benign for this disease.

Illumina Laboratory Services, Illumina
Classification: Uncertain significance for Retinitis pigmentosa. Last evaluated: 2018-01-13. Review status: criteria provided, single submitter. Criteria: ICSL Variant Classification Criteria 13 December 2019. Collection method: clinical testing. Allele origin: germline.

NM_000283.4(PDE6B):c.1297G>A (p.Asp433Asn)

Gene: PDE6B (phosphodiesterase 6B; plus strand). Cytogenetic location: 4p16.3.
Variant type: single nucleotide variant.
Coding change: c.1297G>A on transcript NM_000283.4 (MANE Select); coding-DNA position 1297, G replaced by A.
Protein change: p.Asp433Asn; replaces aspartic acid 433 with asparagine.
Molecular consequence: missense variant.
Genome position (GRCh38, 1-based): chr4:657,390, G>A. VCF-style: chr4-657390-G-A. GRCh37 (hg19) VCF-style: chr4-651179-G-A.
Other names: c.1297G>A, p.Asp433Asn (NM_001145291.2); c.460G>A, p.Asp154Asn (NM_001145292.2, NM_001350154.3, NM_001379246.1 and 1 more transcripts); c.142G>A, p.Asp48Asn (NM_001350155.3); short protein forms D433N, D154N, D48N.
Identifiers: ClinVar variation 349375 (VCV000349375.15), dbSNP rs539768252, ClinGen allele CA2794445.
Genomic context (GRCh38, chr4:657,390, plus strand): 5'-TGACACTGCCATCCCCTCCAGTCCCTGACACAGTTCCTGGGCTGGTCAGTGATGAACACC[G>A]ACACCTACGACAAGATGAACAAGCTGGAGAACCGCAAGGACATCGCACAGGACATGGTCC-3'
Protein context (NP_000274.3, residues 423-443): QFLGWSVMNT[Asp433Asn]TYDKMNKLEN